The following is an entry in ClinVar:

NM_016222.4(DDX41):c.1273_1276dup (p.Glu426fs)

Gene: DDX41 (DEAD-box helicase 41; minus strand). Cytogenetic location: 5q35.3.
Variant type: Duplication.
Coding change: c.1273_1276dup on transcript NM_016222.4 (MANE Select); coding-DNA positions 1273 to 1276, 4 bases duplicated (CTCG; older notation c.1273_1276dupCTCG).
Protein change: p.Glu426fs; shifts the reading frame from glutamic acid 426.
Molecular consequence: frameshift variant.
Genome position (GRCh38, 1-based): chr5:177,513,037-177,513,040, CGAG duplicated on the plus strand (CTCG on the coding strand, the reverse complement: DDX41 is on the minus strand); duplicating any 4 consecutive bases within chr5:177,513,037-177,513,041 gives the same sequence; the c. name uses the placement nearest the transcript's 3' end. VCF-style (leftmost placement, unchanged base first): chr5-177513036-T-TCGAG. GRCh37 (hg19) VCF-style: chr5-176940037-T-TCGAG.
Other names: c.1273_1276dupCTCG (NM_016222.2); c.1273_1276dup, p.Glu426fs (LRG_1386t1); c.895_898dup, p.Glu300fs (NM_001321732.2, NM_001321830.2); short protein forms E300fs, E426fs.
Identifiers: ClinVar variation 524056 (VCV000524056.3), dbSNP rs1554110980, ClinGen allele CA658796700.

ClinVar aggregate classification (germline): Pathogenic (1 of 4 stars; one submission).

Submission:

GeneDx
Classification: Pathogenic. Last evaluated: 2019-05-20. Review status: criteria provided, single submitter. Criteria: GeneDx Variant Classification Process June 2021. Collection method: clinical testing. Allele origin: germline. Affected: yes.
Comment: Frameshift variant predicted to result in protein truncation or nonsense mediated decay in a gene for which loss-of-function is a known mechanism of disease; Not observed in large population cohorts (Lek et al., 2016); Has not been previously published as pathogenic or benign to our knowledge